The following is an entry in ClinVar:

ClinVar aggregate classification (germline): Benign/Likely benign. Review status: criteria provided, multiple submitters, no conflicts (2 of 4 stars). 4 submissions from 4 submitters: Benign (3); Likely benign (1). Last evaluated 2026-02-01.

Conditions:
Hypertrophic cardiomyopathy. Also called: HYPERTROPHIC MYOCARDIOPATHY. Identifiers: Orphanet 217569, MedGen C0007194, MeSH D002312, MONDO:0005045, HP:0001639.

Allele frequency attached by ClinVar (database versions not stated): ESP Exome Variant Server 0.00995; TOPMed 0.01040; 1000 Genomes Project 0.01358; 1000 Genomes Project 30x 0.01515; gnomAD exomes 0.00232 and 0.00090; ExAC 0.00285; gnomAD 0.00921 and 0.00981.
gnomAD v4.1: 2,765 of 1,613,878 alleles (0.17%); highest among the groups gnomAD compares: African/African-American, 3.2%; 34 homozygotes.

Submissions (4):

Labcorp Genetics (formerly Invitae), Labcorp
Classification: Benign for Hypertrophic cardiomyopathy. Last evaluated: 2026-02-01. Review status: criteria provided, single submitter. Criteria: Invitae Variant Classification Sherloc (09022015). Collection method: clinical testing. Allele origin: germline.

Ambry Genetics
Classification: Likely benign. Last evaluated: 2022-05-17. Review status: criteria provided, single submitter. Criteria: Ambry Variant Classification Scheme 2023. Collection method: clinical testing. Allele origin: germline.

Laboratory for Molecular Medicine, Mass General Brigham Personalized Medicine
Classification: Benign. Last evaluated: 2014-11-24. Review status: criteria provided, single submitter. Criteria: LMM Criteria. Collection method: clinical testing. Allele origin: germline. Observed: 7 variant alleles.
Comment: Thr1315Thr in exon 27 of MYOM1: This variant is not expected to have clinical si gnificance because it does not alter an amino acid residue and is not located wi thin the splice consensus sequence. It has been identified in 3.1% (122/3948) of African American chromosomes from a broad population by the NHLBI Exome Sequenc ing Project (dbSNP rs75748615).

Breakthrough Genomics
Classification: Benign. Review status: criteria provided, single submitter. Criteria: ACMG Guidelines, 2015. Collection method: not provided. Allele origin: germline. Inheritance: Unknown mechanism. Affected: yes.

NM_003803.4(MYOM1):c.3945G>A (p.Thr1315=)

Gene: MYOM1 (myomesin 1; minus strand). Cytogenetic location: 18p11.31.
Variant type: single nucleotide variant.
Coding change: c.3945G>A on transcript NM_003803.4 (MANE Select); coding-DNA position 3945, G replaced by A.
Protein change: p.Thr1315=; no amino-acid change (threonine 1315 retained).
Molecular consequence: synonymous variant.
Genome position (GRCh38, 1-based): chr18:3,090,722, C>T on the plus strand (G>A on the coding strand, the complement: MYOM1 is on the minus strand). VCF-style: chr18-3090722-C-T. GRCh37 (hg19) VCF-style: chr18-3090720-C-T.
Other names: c.3657G>A, p.Thr1219= (NM_019856.2).
Identifiers: ClinVar variation 226820 (VCV000226820.21), dbSNP rs75748615, ClinGen allele CA8874115.